The following is an entry in ClinVar:

ClinVar aggregate classification (germline): Uncertain significance (1 of 4 stars; one submission).

Conditions:
Severe myoclonic epilepsy in infancy (DRVT). Also called: SEVERE MYOCLONIC EPILEPSY OF INFANCY; DEVELOPMENTAL AND EPILEPTIC ENCEPHALOPATHY 6A; Severe Myoclonic Epilepsy in Infancy (SMEI); Dravet syndrome; Epileptic encephalopathy, early infantile, 6 (Dravet syndrome). Identifiers: Orphanet 33069, MedGen C0751122, MONDO:0100135, OMIM 607208.

Allele frequency attached by ClinVar (database versions not stated): gnomAD exomes below 0.00001.
gnomAD v4.1: 1 of 1,608,442 alleles (0.000062%); highest among the groups gnomAD compares: Non-Finnish European, 0.000085%; no homozygotes.

Submission:

Labcorp Genetics (formerly Invitae), Labcorp
Classification: Uncertain significance for Severe myoclonic epilepsy in infancy. Last evaluated: 2022-08-08. Review status: criteria provided, single submitter. Criteria: Invitae Variant Classification Sherloc (09022015). Collection method: clinical testing. Allele origin: germline.
Comment: In summary, the available evidence is currently insufficient to determine the role of this variant in disease. Therefore, it has been classified as a Variant of Uncertain Significance. Variants that disrupt the consensus splice site are a relatively common cause of aberrant splicing (PMID: 17576681, 9536098). Algorithms developed to predict the effect of sequence changes on RNA splicing suggest that this variant is not likely to affect RNA splicing. This variant has not been reported in the literature in individuals affected with SNX27-related conditions. This variant is not present in population databases (gnomAD no frequency). This sequence change falls in intron 6 of the SNX27 gene. It does not directly change the encoded amino acid sequence of the SNX27 protein. It affects a nucleotide within the consensus splice site.

Literature cited by the submitters: PubMed 17576681; PubMed 9536098.

NM_001330723.2(SNX27):c.986-3T>C

Gene: SNX27 (sorting nexin 27; plus strand). Cytogenetic location: 1q21.3.
Variant type: single nucleotide variant.
Coding change: c.986-3T>C on transcript NM_001330723.2 (MANE Select); 3 bases into the intron before coding-DNA position 986, T replaced by C.
Molecular consequence: intron variant.
Genome position (GRCh38, 1-based): chr1:151,668,469, T>C. VCF-style: chr1-151668469-T-C. GRCh37 (hg19) VCF-style: chr1-151640945-T-C.
Other names: c.986-3T>C (NM_030918.6).
Identifiers: ClinVar variation 2070573 (VCV002070573.4), dbSNP rs2525036955, ClinGen allele CA2580061032.